The following is an entry in ClinVar:

ClinVar aggregate classification (germline): Uncertain significance (1 of 4 stars; one submission).

Submission:

GeneDx
Classification: Uncertain significance. Last evaluated: 2022-10-06. Review status: criteria provided, single submitter. Criteria: GeneDx Variant Classification Process June 2021. Collection method: clinical testing. Allele origin: germline. Affected: yes.
Comment: Not observed at significant frequency in large population cohorts (gnomAD); Nonsense variant predicted to result in protein truncation or nonsense mediated decay in a gene or region of a gene for which loss of function is not a well-established mechanism of disease; Has not been previously published as pathogenic or benign to our knowledge; Variants in candidate genes are classified as variants of uncertain significance in accordance with ACMG guidelines (Richards et al., 2015)

NM_024721.5(ZFHX4):c.5107C>T (p.Gln1703Ter)

Gene: ZFHX4 (zinc finger homeobox 4; plus strand). Cytogenetic location: 8q21.13.
Variant type: single nucleotide variant.
Coding change: c.5107C>T on transcript NM_024721.5 (MANE Select); coding-DNA position 5107, C replaced by T.
Protein change: p.Gln1703Ter; replaces glutamine 1703 with a stop codon.
Molecular consequence: nonsense.
Genome position (GRCh38, 1-based): chr8:76,852,028, C>T. VCF-style: chr8-76852028-C-T. GRCh37 (hg19) VCF-style: chr8-77764264-C-T.
Other names: c.5029C>T, p.Gln1677Ter (NM_001410934.1); short protein forms Q1677*, Q1703*.
Identifiers: ClinVar variation 3900277 (VCV003900277.1).